The following is an entry in ClinVar:

NC_012920.1(MT-CO3):m.9438G>A

Gene: MT-CO3 (mitochondrially encoded cytochrome c oxidase III; plus strand).
Variant type: single nucleotide variant.
Genome position: chrM-9438-G-A.
Identifiers: ClinVar variation 9651 (VCV000009651.2), dbSNP rs267606611, ClinGen allele CA254850.

ClinVar aggregate classification (germline): Benign. Review status: criteria provided, single submitter (1 of 4 stars). 2 submissions from 2 submitters: Benign (1). 1 of the submissions does not count toward it. Last evaluated 2019-10-17.

Conditions:
Leber optic atrophy (LHON). Also called: Leber hereditary optic neuropathy; Leber's disease; Leber's optic atrophy; Optic Atrophy, Hereditary, Leber. Identifiers: Orphanet 104, MedGen C0917796, MONDO:0010788, OMIM 535000, HP:0001112.
Leigh syndrome (NULS). Also called: Leigh's syndrome; Leigh Disease; Leigh's necrotizing encephalopathy; Leigh's disease; Subacute necrotizing encephalopathy; Necrotizing encephalopathy infantile subacute of Leigh. Identifiers: Orphanet 506, MedGen C2931891, MONDO:0009723, OMIM 256000.

Submissions (2):

Wong Mito Lab, Molecular and Human Genetics, Baylor College of Medicine
Classification: Benign for Leigh syndrome. Last evaluated: 2019-10-17. Review status: criteria provided, single submitter. Criteria: Modified ACMG Guidelines (Unpublished). Collection method: clinical testing. Allele origin: germline.
Comment: The NC_012920.1:m.9438G>A (YP_003024032.1:p.Gly78Ser) variant in MTCO3 gene is interpretated to be a Benign variant based on the modified ACMG guidelines (unpublished). This variant meets the following evidence codes: BA1

OMIM
Classification: Pathogenic for LEBER OPTIC ATROPHY. Last evaluated: 1995-10-01. Review status: no assertion criteria provided. Collection method: literature only. Allele origin: germline. Not counted in ClinVar's aggregate classification.

Literature cited by the submitters: PubMed 8037217 (cited by Wong Mito Lab, Molecular and Human Genetics, Baylor College of Medicine); PubMed 8240356 (cited by OMIM); Howell, N. Primary LHON mutations: trying to separate 'fruyt' from 'chaf.' Clin. Neurosci. 2: 130-137, 1994. (cited by OMIM); PubMed 7804416 (cited by OMIM); PubMed 7573056 (cited by OMIM).